The following is an entry in ClinVar:

ClinVar aggregate classification (germline): Likely pathogenic. Review status: criteria provided, multiple submitters, no conflicts (2 of 4 stars). 2 submissions from 2 submitters: Likely pathogenic (2). Last evaluated 2022-01-01.

Conditions:
Developmental and epileptic encephalopathy, 28 (DEE28). Also called: Epileptic encephalopathy, early infantile, 28. Identifiers: Orphanet 442835, MedGen C4015519, MONDO:0014533, OMIM 616211.

Submissions (2):

CeGaT Center for Human Genetics Tuebingen
Classification: Likely pathogenic. Last evaluated: 2022-01-01. Review status: criteria provided, single submitter. Criteria: CeGaT Center For Human Genetics Tuebingen Variant Classification Criteria Version 2. Collection method: clinical testing. Allele origin: germline. Affected: yes. Observed: 2 variant alleles.

Institute of Human Genetics, University of Leipzig Medical Center
Classification: Likely pathogenic for Developmental and epileptic encephalopathy, 28. Last evaluated: 2020-01-02. Review status: criteria provided, single submitter. Criteria: ACMG Guidelines, 2015. Collection method: clinical testing. Allele origin: germline. Affected: yes. Observed: 1 variant allele.
Comment: This variant was identified as homozygous

NM_016373.4(WWOX):c.107+2_107+5del

Gene: WWOX (WW domain containing oxidoreductase; plus strand). Cytogenetic location: 16q23.1.
Variant type: Deletion.
Coding change: c.107+2_107+5del on transcript NM_016373.4 (MANE Select); the canonical splice donor site of the intron after coding-DNA position 107 through 5 bases into the intron after coding-DNA position 107, 4 bases deleted (TAAG; older notation c.107+2_107+5delTAAG).
Molecular consequence: splice donor variant. On other transcripts: non-coding transcript variant (2).
Genome position (GRCh38, 1-based): chr16:78,099,887-78,099,890, TAAG deleted; deleting any 4 consecutive bases within chr16:78,099,884-78,099,890 gives the same sequence; the c. name uses the placement nearest the transcript's 3' end. VCF-style (leftmost placement, unchanged base first): chr16-78099883-CAAGT-C. GRCh37 (hg19) VCF-style: chr16-78133780-CAAGT-C.
Other names: c.-168+2_-168+5del (NM_001291997.2); c.107+2_107+5del (NM_130791.5).
Identifiers: ClinVar variation 493191 (VCV000493191.44), dbSNP rs1555532979, ClinGen allele CA658683971.